The following is an entry in ClinVar:

ClinVar aggregate classification (germline): Pathogenic (1 of 4 stars; one submission).

Conditions:
Episodic ataxia type 2 (EA2). Also called: ACETAZOLAMIDE-RESPONSIVE HEREDITARY PAROXYSMAL CEREBELLAR ATAXIA; CEREBELLAR ATAXIA, PAROXYSMAL, ACETAZOLAMIDE-RESPONSIVE; CEREBELLOPATHY, HEREDITARY PAROXYSMAL; EPISODIC ATAXIA, NYSTAGMUS-ASSOCIATED; ATAXIA, EPISODIC, WITH NYSTAGMUS; ATAXIA, FAMILIAL PAROXYSMAL. Identifiers: Orphanet 97, MedGen C1720416, MONDO:0007163, OMIM 108500.
Developmental and epileptic encephalopathy, 42 (DEE42A). Also called: DEVELOPMENTAL AND EPILEPTIC ENCEPHALOPATHY 42A; EPILEPTIC ENCEPHALOPATHY, EARLY INFANTILE, 42A; Epileptic encephalopathy, early infantile, 42. Identifiers: MedGen C4310716, MONDO:0014917, OMIM 617106.

Submission:

Labcorp Genetics (formerly Invitae), Labcorp
Classification: Pathogenic for Developmental and epileptic encephalopathy, 42; Episodic ataxia type 2. Last evaluated: 2018-03-18. Review status: criteria provided, single submitter. Criteria: Invitae Variant Classification Sherloc (09022015). Collection method: clinical testing. Allele origin: germline.
Comment: For these reasons, this variant has been classified as Pathogenic. Loss-of-function variants in CACNA1A are known to be pathogenic (PMID: 10371528, 19486177, 25735478, 27250579). This variant has not been reported in the literature in individuals with CACNA1A-related disease. This variant is not present in population databases (ExAC no frequency). This sequence change creates a premature translational stop signal (p.Glu473Glyfs*83) in the CACNA1A gene. It is expected to result in an absent or disrupted protein product.

Literature cited by the submitters: PubMed 10371528; PubMed 19486177; PubMed 25735478; PubMed 27250579.

NM_001127222.2(CACNA1A):c.1412dup (p.Glu472fs)

Gene: CACNA1A (calcium voltage-gated channel subunit alpha1 A; minus strand). Cytogenetic location: 19p13.13.
Variant type: Duplication.
Coding change: c.1412dup on transcript NM_001127222.2 (MANE Select); coding-DNA position 1412, one base duplicated (A; older notation c.1412dupA).
Protein change: p.Glu472fs; shifts the reading frame from glutamic acid 472.
Molecular consequence: frameshift variant.
Genome position (GRCh38, 1-based): chr19:13,317,255, T duplicated on the plus strand (A on the coding strand, the reverse complement: CACNA1A is on the minus strand); the first of 5 consecutive T bases (chr19:13,317,255-13,317,259); duplicating any one gives the same sequence. VCF-style (leftmost placement, unchanged base first): chr19-13317254-C-CT. GRCh37 (hg19) VCF-style: chr19-13428068-C-CT.
Other names: c.1415dupA (NM_001127221.1); c.1415dup, p.Glu473fs (NM_000068.4, NM_001127221.2, NM_001174080.2 and 1 more transcripts); short protein forms E473fs, E472fs.
Identifiers: ClinVar variation 580312 (VCV000580312.7), dbSNP rs1568528298, ClinGen allele CA891844168.